The following is an entry in ClinVar:

NM_005996.4(TBX3):c.1915G>A (p.Ala639Thr)

Gene: TBX3 (T-box transcription factor 3; minus strand). Cytogenetic location: 12q24.21.
Variant type: single nucleotide variant.
Coding change: c.1915G>A on transcript NM_005996.4 (MANE Select); coding-DNA position 1915, G replaced by A.
Protein change: p.Ala639Thr; replaces alanine 639 with threonine.
Molecular consequence: missense variant.
Genome position (GRCh38, 1-based): chr12:114,672,098, C>T on the plus strand (G>A on the coding strand, the complement: TBX3 is on the minus strand). VCF-style: chr12-114672098-C-T. GRCh37 (hg19) VCF-style: chr12-115109903-C-T.
Other names: c.1975G>A, p.Ala659Thr (NM_016569.4); short protein forms A639T, A659T.
Identifiers: ClinVar variation 3344076 (VCV003344076.1).

ClinVar aggregate classification (germline): Uncertain significance (0 of 4 stars; one submission).

Conditions:
TBX3-related disorder. Also called: TBX3-related condition.

gnomAD v4.1: 3 of 1,568,442 alleles (0.00019%); highest among the groups gnomAD compares: Non-Finnish European, 0.00017%; no homozygotes.

Submission:

PreventionGenetics, part of Exact Sciences
Classification: Uncertain significance for TBX3-related condition. Last evaluated: 2024-07-05. Review status: no assertion criteria provided. Collection method: clinical testing. Allele origin: germline.
Comment: The TBX3 c.1975G>A variant is predicted to result in the amino acid substitution p.Ala659Thr. To our knowledge, this variant has not been reported in the literature. This variant is reported in 0.0014% of alleles in individuals of European (Non-Finnish) descent in gnomAD. At this time, the clinical significance of this variant is uncertain due to the absence of conclusive functional and genetic evidence.